The following is an entry in ClinVar:

ClinVar aggregate classification (germline): Uncertain significance. Review status: criteria provided, multiple submitters, no conflicts (2 of 4 stars). 2 submissions from 2 submitters: Uncertain significance (2). Last evaluated 2023-07-16.

Conditions:
Familial sleep-related hypermotor epilepsy. Also called: Autosomal Dominant Sleep-Related Hypermotor (Hyperkinetic) Epilepsy. Identifiers: Orphanet 98784, MedGen C3696898, MONDO:0000030.

Submissions (2):

Labcorp Genetics (formerly Invitae), Labcorp
Classification: Uncertain significance. Last evaluated: 2023-07-16. Review status: criteria provided, single submitter. Criteria: Invitae Variant Classification Sherloc (09022015). Collection method: clinical testing. Allele origin: germline.
Comment: In summary, the available evidence is currently insufficient to determine the role of this variant in disease. Therefore, it has been classified as a Variant of Uncertain Significance. Experimental studies and prediction algorithms are not available or were not evaluated, and the functional significance of this variant is currently unknown. ClinVar contains an entry for this variant (Variation ID: 851174). This variant has been observed in at least one individual who was not affected with CHRNA4-related conditions (Invitae). This variant has not been reported in the literature in individuals affected with CHRNA4-related conditions. This variant is not present in population databases (gnomAD no frequency). This variant, c.52_57dup, results in the insertion of 2 amino acid(s) of the CHRNA4 protein (p.Leu18_Leu19dup), but otherwise preserves the integrity of the reading frame.

GeneDx
Classification: Uncertain significance. Last evaluated: 2023-04-24. Review status: criteria provided, single submitter. Criteria: GeneDx Variant Classification Process June 2021. Collection method: clinical testing. Allele origin: germline. Affected: yes.
Comment: Not observed at significant frequency in large population cohorts (gnomAD); In-frame insertion of 2 amino acids in a non-repeat region; Has not been previously published as pathogenic or benign to our knowledge

NM_000744.7(CHRNA4):c.52_57dup (p.Leu18_Leu19dup)

Genes: CHRNA4 (cholinergic receptor nicotinic alpha 4 subunit; minus strand), LOC100130587 (uncharacterized LOC100130587; plus strand). Cytogenetic location: 20q13.33.
Variant type: Duplication.
Coding change: c.52_57dup on transcript NM_000744.7 (MANE Select); coding-DNA positions 52 to 57, 6 bases duplicated (CTTCTG; older notation c.52_57dupCTTCTG).
Protein change: p.Leu18_Leu19dup.
Molecular consequence: inframe insertion. On other transcripts: non-coding transcript variant (1), intron variant (1).
Genome position (GRCh38, 1-based): chr20:63,361,109-63,361,114, CAGAAG duplicated on the plus strand (CTTCTG on the coding strand, the reverse complement: CHRNA4 is on the minus strand); duplicating any 6 consecutive bases within chr20:63,361,109-63,361,117 gives the same sequence; the c. name uses the placement nearest the transcript's 3' end. VCF-style (leftmost placement, unchanged base first): chr20-63361108-C-CCAGAAG. GRCh37 (hg19) VCF-style: chr20-61992460-C-CCAGAAG.
Other names: c.-471+63_-471+68dup (NM_001256573.2); c.52_57dup (NM_000744.5).
Identifiers: ClinVar variation 851174 (VCV000851174.10), dbSNP rs2068812649, ClinGen allele CA916083762.